The following is an entry in ClinVar:

ClinVar aggregate classification (germline): Uncertain significance (1 of 4 stars; one submission).

Conditions:
RASopathy. Also called: Noonan spectrum disorder; rasopathies. Identifiers: Orphanet 536391, MedGen C5555857, MONDO:0021060.

Submission:

Labcorp Genetics (formerly Invitae), Labcorp
Classification: Uncertain significance for RASopathy. Last evaluated: 2024-06-05. Review status: criteria provided, single submitter. Criteria: Invitae Variant Classification Sherloc (09022015). Collection method: clinical testing. Allele origin: germline.
Comment: This sequence change replaces glycine, which is neutral and non-polar, with arginine, which is basic and polar, at codon 217 of the MAP2K2 protein (p.Gly217Arg). This variant is not present in population databases (gnomAD no frequency). This variant has not been reported in the literature in individuals affected with MAP2K2-related conditions. Advanced modeling of protein sequence and biophysical properties (such as structural, functional, and spatial information, amino acid conservation, physicochemical variation, residue mobility, and thermodynamic stability) performed at Invitae indicates that this missense variant is expected to disrupt MAP2K2 protein function with a positive predictive value of 95%. In summary, the available evidence is currently insufficient to determine the role of this variant in disease. Therefore, it has been classified as a Variant of Uncertain Significance.

NM_030662.4(MAP2K2):c.649G>C (p.Gly217Arg)

Gene: MAP2K2 (mitogen-activated protein kinase kinase 2; minus strand). Cytogenetic location: 19p13.3.
Variant type: single nucleotide variant.
Coding change: c.649G>C on transcript NM_030662.4 (MANE Select); coding-DNA position 649, G replaced by C.
Protein change: p.Gly217Arg; replaces glycine 217 with arginine.
Molecular consequence: missense variant.
Genome position (GRCh38, 1-based): chr19:4,101,075, C>G on the plus strand (G>C on the coding strand, the complement: MAP2K2 is on the minus strand). VCF-style: chr19-4101075-C-G. GRCh37 (hg19) VCF-style: chr19-4101073-C-G.
Other names: short protein forms G217R.
Identifiers: ClinVar variation 3636798 (VCV003636798.2).